The following is an entry in ClinVar:

NM_015100.4(POGZ):c.1135C>T (p.Arg379Ter)

Gene: POGZ (pogo transposable element derived with ZNF domain; minus strand). Cytogenetic location: 1q21.3.
Variant type: single nucleotide variant.
Coding change: c.1135C>T on transcript NM_015100.4 (MANE Select); coding-DNA position 1135, C replaced by T.
Protein change: p.Arg379Ter; replaces arginine 379 with a stop codon.
Molecular consequence: nonsense.
Genome position (GRCh38, 1-based): chr1:151,425,005, G>A on the plus strand (C>T on the coding strand, the complement: POGZ is on the minus strand). VCF-style: chr1-151425005-G-A. GRCh37 (hg19) VCF-style: chr1-151397481-G-A.
Other names: c.1108C>T, p.Arg370Ter (NM_001194937.2); c.949C>T, p.Arg317Ter (NM_001194938.2); c.850C>T, p.Arg284Ter (NM_145796.4); c.976C>T, p.Arg326Ter (NM_207171.2); short protein forms R284*, R317*, R326*, R370*, R379*.
Identifiers: ClinVar variation 1343243 (VCV001343243.2), dbSNP rs1657533128, ClinGen allele CA341973020.
Genomic context (GRCh38, chr1:151,425,005, plus strand): 5'-TATCACTTACACACATGTGACCTCTCAAAGCTTCAGTAACACGAAATTGAGCATTACATC[G>A]TGGACATATTTTCCGTCCACCATCCTGGAGGTCAAATACTGGGATGGAAGAGGTCACTGA-3'

ClinVar aggregate classification (germline): Pathogenic/Likely pathogenic. Review status: criteria provided, multiple submitters, no conflicts (2 of 4 stars). 3 submissions from 3 submitters: Pathogenic (1); Likely pathogenic (2). Last evaluated 2025-03-18.

Conditions:
Intellectual disability-microcephaly-strabismus-behavioral abnormalities syndrome. Also called: White-Sutton Syndrome. Identifiers: Orphanet 468678, MedGen C4225351, MONDO:0014606, OMIM 616364.

Submissions (3):

Variantyx, Inc.
Classification: Pathogenic for Intellectual disability-microcephaly-strabismus-behavioral abnormalities syndrome. Last evaluated: 2025-03-18. Review status: criteria provided, single submitter. Criteria: Variantyx Assertion Criteria 2022. Collection method: clinical testing. Allele origin: de novo. Inheritance: Autosomal dominant inheritance. Affected: yes.
Comment: This is a nonsense variant in the POGZ gene (OMIM: 614787). Pathogenic variants in this gene have been associated with autosomal dominant White-Sutton syndrome. This variant introduces a premature termination codon in exon 8 out of 19. It is expected to result in loss of function, which is a known disease mechanism for POGZ in this disorder (PMID: 39553561) (PVS1). This variant is absent from control populations (PM2_Supporting). Based on the current evidence, this variant is classified as pathogenic for autosomal dominant White-Sutton syndrome.

Greenwood Genetic Center Diagnostic Laboratories, Greenwood Genetic Center
Classification: Likely pathogenic for Intellectual disability-microcephaly-strabismus-behavioral abnormalities syndrome. Last evaluated: 2024-07-18. Review status: criteria provided, single submitter. Criteria: ACMG Guidelines, 2015. Collection method: clinical testing. Allele origin: germline. Affected: yes.
Comment: PVS1, PM2

Institute of Human Genetics, Clinical Exome/Genome Diagnostics Group, University Hospital Bonn
Classification: Likely pathogenic for Intellectual disability-microcephaly-strabismus-behavioral abnormalities syndrome. Last evaluated: 2021-09-14. Review status: criteria provided, single submitter. Criteria: ACMG Guidelines, 2015. Collection method: clinical testing. Allele origin: inherited. Affected: yes.
Comment: PVS1, PM2, BS2_supporting

Literature cited by the submitters: PubMed 39553561 (cited by Variantyx, Inc.).